The following is an entry in ClinVar:

ClinVar aggregate classification (germline): Likely benign. Review status: criteria provided, multiple submitters, no conflicts (2 of 4 stars). 7 submissions from 7 submitters: Likely benign (7). Last evaluated 2026-05-01.

Conditions:
MYH11-related disorder. Also called: MYH11-related condition.
Familial thoracic aortic aneurysm and aortic dissection (TAAD). Also called: Thoracic aortic aneurysms and dissections. Identifiers: Orphanet 91387, MedGen C4707243, MONDO:0019625.
Aortic aneurysm, familial thoracic 4 (AAT4). Also called: AORTIC ANEURYSM/AORTIC DISSECTION AND PATENT DUCTUS ARTERIOSUS. Identifiers: MedGen C1851504, MONDO:0007568, OMIM 132900.

Allele frequency attached by ClinVar (database versions not stated): TOPMed 0.00002; ExAC 0.00003.
gnomAD v4.1: 25 of 1,613,974 alleles (0.0015%); highest among the groups gnomAD compares: African/African-American, 0.0053%; no homozygotes.

Submissions (7):

CeGaT Center for Human Genetics Tuebingen
Classification: Likely benign. Last evaluated: 2026-05-01. Review status: criteria provided, single submitter. Criteria: CeGaT Center For Human Genetics Tuebingen Variant Classification Criteria Version 2. Collection method: clinical testing. Allele origin: germline. Affected: yes. Observed: 1 variant allele.
Comment: MYH11: BP4, BP7

Labcorp Genetics (formerly Invitae), Labcorp
Classification: Likely benign for Aortic aneurysm, familial thoracic 4. Last evaluated: 2025-03-04. Review status: criteria provided, single submitter. Criteria: Invitae Variant Classification Sherloc (09022015). Collection method: clinical testing. Allele origin: germline.

PreventionGenetics, part of Exact Sciences
Classification: Likely benign for MYH11-related condition. Last evaluated: 2025-02-05. Review status: criteria provided, single submitter. Criteria: ACMG Guidelines, 2015. Collection method: clinical testing. Allele origin: germline.
Comment: This variant is classified as likely benign based on ACMG/AMP sequence variant interpretation guidelines (Richards et al. 2015 PMID: 25741868, with internal and published modifications).

All of Us Research Program, National Institutes of Health
Classification: Likely benign for Familial thoracic aortic aneurysm and aortic dissection. Last evaluated: 2023-11-30. Review status: criteria provided, single submitter. Criteria: ACMG Guidelines, 2015. Collection method: clinical testing. Allele origin: germline. Inheritance: Autosomal dominant inheritance. Observed: 11 variant alleles, 11 heterozygotes.
Comment: This study involves interpretation of variants in research participants for the purpose of population health screening. Participant phenotype was not available at the time of variant classification. Additional details can be found in publication PMID: 35346344, PMCID: PMC8962531

GeneDx
Classification: Likely benign. Last evaluated: 2021-01-05. Review status: criteria provided, single submitter. Criteria: GeneDx Variant Classification Process June 2021. Collection method: clinical testing. Allele origin: germline. Affected: yes.

Ambry Genetics
Classification: Likely benign for Familial thoracic aortic aneurysm and aortic dissection. Last evaluated: 2019-09-26. Review status: criteria provided, single submitter. Criteria: Ambry Variant Classification Scheme 2023. Collection method: clinical testing. Allele origin: germline.

Color Diagnostics, LLC DBA Color Health
Classification: Likely benign for Familial thoracic aortic aneurysm and aortic dissection. Last evaluated: 2018-11-08. Review status: criteria provided, single submitter. Criteria: ACMG Guidelines, 2015. Collection method: clinical testing. Allele origin: germline.

NM_002474.3(MYH11):c.93C>T (p.Ala31=)

Gene: MYH11 (myosin heavy chain 11; minus strand). Cytogenetic location: 16p13.11.
Variant type: single nucleotide variant.
Coding change: c.93C>T on transcript NM_002474.3 (MANE Select); coding-DNA position 93, C replaced by T.
Protein change: p.Ala31=; no amino-acid change (alanine 31 retained).
Molecular consequence: synonymous variant.
Genome position (GRCh38, 1-based): chr16:15,838,160, G>A on the plus strand (C>T on the coding strand, the complement: MYH11 is on the minus strand). VCF-style: chr16-15838160-G-A. GRCh37 (hg19) VCF-style: chr16-15932017-G-A.
Other names: c.93C>T, p.Ala31= (NM_001040113.2, NM_001040114.2, NM_022844.3).
Identifiers: ClinVar variation 924140 (VCV000924140.17), dbSNP rs754808294, ClinGen allele CA7923122.
Genomic context (GRCh38, chr16:15,838,160, plus strand): 5'-CTTAATGCTGGCTGCCTCGAAGCCCTGCTTCTCCGAGGGGACCCAGACGAGTCTCTTGGC[G>A]GCCCAGTCAGCCTGGGCCACTGGGCTGTTGATGAAGTTTTTGTCCACAAAGAGGAACTTC-3'
Protein context (NP_002465.1, residues 21-41): INSPVAQADW[Ala31=]AKRLVWVPSE